The following is an entry in ClinVar:

ClinVar aggregate classification (germline): Uncertain significance. Review status: criteria provided, multiple submitters, no conflicts (2 of 4 stars). 2 submissions from 2 submitters: Uncertain significance (2). Last evaluated 2022-09-01.

Conditions:
Inborn genetic diseases. Identifiers: MedGen C0950123, MeSH D030342.
D-2-hydroxyglutaric aciduria 1 (D2HGA1). Identifiers: Orphanet 79315, MedGen C3152055, MONDO:0024554, OMIM 600721.

Allele frequency attached by ClinVar (database versions not stated): gnomAD 0.00001 and 0.00002; TOPMed 0.00003; gnomAD exomes 0.00007 and 0.00008; ExAC 0.00009.
gnomAD v4.1: 106 of 1,614,134 alleles (0.0066%); highest among the groups gnomAD compares: South Asian, 0.027%; no homozygotes.

Submissions (2):

Labcorp Genetics (formerly Invitae), Labcorp
Classification: Uncertain significance for D-2-hydroxyglutaric aciduria 1. Last evaluated: 2022-09-01. Review status: criteria provided, single submitter. Criteria: Invitae Variant Classification Sherloc (09022015). Collection method: clinical testing. Allele origin: germline.
Comment: This sequence change replaces threonine, which is neutral and polar, with methionine, which is neutral and non-polar, at codon 247 of the D2HGDH protein (p.Thr247Met). This variant is present in population databases (rs768774887, gnomAD 0.05%). This variant has not been reported in the literature in individuals affected with D2HGDH-related conditions. ClinVar contains an entry for this variant (Variation ID: 942698). Algorithms developed to predict the effect of missense changes on protein structure and function (SIFT, PolyPhen-2, Align-GVGD) all suggest that this variant is likely to be disruptive. In summary, the available evidence is currently insufficient to determine the role of this variant in disease. Therefore, it has been classified as a Variant of Uncertain Significance.

Ambry Genetics
Classification: Uncertain significance for Inborn genetic diseases. Last evaluated: 2021-05-24. Review status: criteria provided, single submitter. Criteria: Ambry Variant Classification Scheme 2023. Collection method: clinical testing. Allele origin: germline.

NM_152783.5(D2HGDH):c.740C>T (p.Thr247Met)

Gene: D2HGDH (D-2-hydroxyglutarate dehydrogenase; plus strand). Cytogenetic location: 2q37.3.
Variant type: single nucleotide variant.
Coding change: c.740C>T on transcript NM_152783.5 (MANE Select); coding-DNA position 740, C replaced by T.
Protein change: p.Thr247Met; replaces threonine 247 with methionine.
Molecular consequence: missense variant. On other transcripts: non-coding transcript variant (1).
Genome position (GRCh38, 1-based): chr2:241,744,764, C>T. VCF-style: chr2-241744764-C-T. GRCh37 (hg19) VCF-style: chr2-242684179-C-T.
Other names: c.338C>T, p.Thr113Met (NM_001287249.2); c.179C>T, p.Thr60Met (NM_001352824.2); c.740C>T (NM_152783.3); short protein forms T113M, T247M, T60M.
Identifiers: ClinVar variation 942698 (VCV000942698.7), dbSNP rs768774887, ClinGen allele CA2221757.